The following is an entry in ClinVar:

ClinVar aggregate classification (germline): Uncertain significance. Review status: criteria provided, multiple submitters, no conflicts (2 of 4 stars). 2 submissions from 2 submitters: Uncertain significance (2). Last evaluated 2024-11-25.

Conditions:
Cardiovascular phenotype. Identifiers: MedGen CN230736.
DiGeorge syndrome. Also called: THIRD AND FOURTH PHARYNGEAL POUCH SYNDROME; Catch22. Identifiers: Orphanet 567, MedGen C0012236, MONDO:0008564, OMIM 188400.

Submissions (2):

Labcorp Genetics (formerly Invitae), Labcorp
Classification: Uncertain significance for DiGeorge syndrome. Last evaluated: 2024-11-25. Review status: criteria provided, single submitter. Criteria: Invitae Variant Classification Sherloc (09022015). Collection method: clinical testing. Allele origin: germline.
Comment: This sequence change replaces alanine, which is neutral and non-polar, with proline, which is neutral and non-polar, at codon 55 of the TBX1 protein (p.Ala55Pro). The frequency data for this variant in the population databases is considered unreliable, as metrics indicate insufficient coverage at this position in the gnomAD database. This variant has not been reported in the literature in individuals affected with TBX1-related conditions. ClinVar contains an entry for this variant (Variation ID: 2447905). Invitae Evidence Modeling of protein sequence and biophysical properties (such as structural, functional, and spatial information, amino acid conservation, physicochemical variation, residue mobility, and thermodynamic stability) indicates that this missense variant is not expected to disrupt TBX1 protein function with a negative predictive value of 80%. In summary, the available evidence is currently insufficient to determine the role of this variant in disease. Therefore, it has been classified as a Variant of Uncertain Significance.

Ambry Genetics
Classification: Uncertain significance for Cardiovascular phenotype. Last evaluated: 2023-02-03. Review status: criteria provided, single submitter. Criteria: Ambry Variant Classification Scheme 2023. Collection method: clinical testing. Allele origin: germline.
Comment: The p.A55P variant (also known as c.163G>C), located in coding exon 2 of the TBX1 gene, results from a G to C substitution at nucleotide position 163. The alanine at codon 55 is replaced by proline, an amino acid with highly similar properties. This amino acid position is conserved. In addition, this alteration is predicted to be tolerated by in silico analysis. Since supporting evidence is limited at this time, the clinical significance of this alteration remains unclear.

NM_001379200.1(TBX1):c.190G>C (p.Ala64Pro)

Gene: TBX1 (T-box transcription factor 1; plus strand). Cytogenetic location: 22q11.21.
Variant type: single nucleotide variant.
Coding change: c.190G>C on transcript NM_001379200.1 (MANE Select); coding-DNA position 190, G replaced by C.
Protein change: p.Ala64Pro; replaces alanine 64 with proline.
Molecular consequence: missense variant.
Genome position (GRCh38, 1-based): chr22:19,761,033, G>C. VCF-style: chr22-19761033-G-C. GRCh37 (hg19) VCF-style: chr22-19748556-G-C.
Other names: c.163G>C, p.Ala55Pro (NM_005992.1, NM_080646.2, NM_080647.1); short protein forms A64P, A55P.
Identifiers: ClinVar variation 2447905 (VCV002447905.4), dbSNP rs2517841974, ClinGen allele CA410681341.